The following is an entry in ClinVar:

NM_001371194.2(SEMA4D):c.742G>T (p.Val248Leu)

Gene: SEMA4D (semaphorin 4D; minus strand). Cytogenetic location: 9q22.2.
Variant type: single nucleotide variant.
Coding change: c.742G>T on transcript NM_001371194.2 (MANE Select); coding-DNA position 742, G replaced by T.
Protein change: p.Val248Leu; replaces valine 248 with leucine.
Molecular consequence: missense variant. On other transcripts: non-coding transcript variant (6).
Genome position (GRCh38, 1-based): chr9:89,391,296, C>A on the plus strand (G>T on the coding strand, the complement: SEMA4D is on the minus strand). VCF-style: chr9-89391296-C-A. GRCh37 (hg19) VCF-style: chr9-92006211-C-A.
Other names: c.742G>T, p.Val248Leu (NM_001142287.2, NM_001371195.1, NM_001371196.1 and 7 more transcripts); short protein forms V248L.
Identifiers: ClinVar variation 3051466 (VCV003051466.2), dbSNP rs143643219, ClinGen allele CA5118603.

ClinVar aggregate classification (germline): Benign (0 of 4 stars; one submission).

Conditions:
SEMA4D-related disorder. Also called: SEMA4D-related condition.

Allele frequency attached by ClinVar (database versions not stated): 1000 Genomes Project 30x 0.00062; 1000 Genomes Project 0.00080; ESP Exome Variant Server 0.00085.
gnomAD v4.1: 2,458 of 1,614,246 alleles (0.15%); highest among the groups gnomAD compares: Non-Finnish European, 0.11%; 13 homozygotes.

Submission:

PreventionGenetics, part of Exact Sciences
Classification: Benign for SEMA4D-related condition. Last evaluated: 2020-02-25. Review status: no assertion criteria provided. Collection method: clinical testing. Allele origin: germline.
Comment: This variant is classified as benign based on ACMG/AMP sequence variant interpretation guidelines (Richards et al. 2015 PMID: 25741868, with internal and published modifications).